The following is an entry in ClinVar:

ClinVar aggregate classification (germline): Uncertain significance. Review status: criteria provided, multiple submitters, no conflicts (2 of 4 stars). 3 submissions from 3 submitters: Uncertain significance (3). Last evaluated 2023-07-16.

Conditions:
Symmetrical dyschromatosis of extremities (DSH). Also called: Dyschromatosis symmetrica hereditaria; DYSCHROMATOSIS SYMMETRICA HEREDITARIA 1; RETICULATE ACROPIGMENTATION OF DOHI; SYMMETRIC DYSCHROMATOSIS OF THE EXTREMITIES. Identifiers: Orphanet 41, MedGen C0406775, MONDO:0007483, OMIM 127400.
Aicardi-Goutieres syndrome 6 (AGS6). Identifiers: Orphanet 51, MedGen C3539013, MONDO:0014007, OMIM 615010.
Inborn genetic diseases. Identifiers: MedGen C0950123, MeSH D030342.

Allele frequency attached by ClinVar (database versions not stated): gnomAD 0.00001; TOPMed 0.00001.
gnomAD v4.1: 11 of 1,613,520 alleles (0.00068%); highest among the groups gnomAD compares: South Asian, 0.0011%; no homozygotes.

Submissions (3):

Labcorp Genetics (formerly Invitae), Labcorp
Classification: Uncertain significance for Aicardi-Goutieres syndrome 6; Symmetrical dyschromatosis of extremities. Last evaluated: 2023-07-16. Review status: criteria provided, single submitter. Criteria: Invitae Variant Classification Sherloc (09022015). Collection method: clinical testing. Allele origin: germline.
Comment: In summary, the available evidence is currently insufficient to determine the role of this variant in disease. Therefore, it has been classified as a Variant of Uncertain Significance. Advanced modeling of protein sequence and biophysical properties (such as structural, functional, and spatial information, amino acid conservation, physicochemical variation, residue mobility, and thermodynamic stability) performed at Invitae indicates that this missense variant is not expected to disrupt ADAR protein function. ClinVar contains an entry for this variant (Variation ID: 955967). This variant has not been reported in the literature in individuals affected with ADAR-related conditions. This variant is not present in population databases (gnomAD no frequency). This sequence change replaces aspartic acid, which is acidic and polar, with asparagine, which is neutral and polar, at codon 748 of the ADAR protein (p.Asp748Asn).

Genome-Nilou Lab
Classification: Uncertain significance for Aicardi-Goutieres syndrome 6. Last evaluated: 2023-04-11. Review status: criteria provided, single submitter. Criteria: ACMG Guidelines, 2015. Collection method: clinical testing. Allele origin: germline. Affected: no.

Ambry Genetics
Classification: Uncertain significance for Inborn genetic diseases. Last evaluated: 2022-07-26. Review status: criteria provided, single submitter. Criteria: Ambry Variant Classification Scheme 2023. Collection method: clinical testing. Allele origin: germline.

NM_001111.5(ADAR):c.2242G>A (p.Asp748Asn)

Gene: ADAR (adenosine deaminase RNA specific; minus strand). Cytogenetic location: 1q21.3.
Variant type: single nucleotide variant.
Coding change: c.2242G>A on transcript NM_001111.5 (MANE Select); coding-DNA position 2242, G replaced by A.
Protein change: p.Asp748Asn; replaces aspartic acid 748 with asparagine.
Molecular consequence: missense variant.
Genome position (GRCh38, 1-based): chr1:154,596,833, C>T on the plus strand (G>A on the coding strand, the complement: ADAR is on the minus strand). VCF-style: chr1-154596833-C-T. GRCh37 (hg19) VCF-style: chr1-154569309-C-T.
Other names: c.1357G>A, p.Asp453Asn (NM_001025107.3, NM_001193495.2, NM_001365046.1 and 3 more transcripts); c.2269G>A, p.Asp757Asn (NM_001365045.1); c.2242G>A, p.Asp748Asn (NM_015840.4); c.2185G>A, p.Asp729Asn (NM_015841.4); short protein forms D453N, D748N, D729N, D757N.
Identifiers: ClinVar variation 955967 (VCV000955967.11), dbSNP rs754538298, ClinGen allele CA342637701.